The following is an entry in ClinVar:

NM_001170535.3(ATAD3A):c.1338-4G>A

Gene: ATAD3A (ATPase family AAA domain containing 3A; plus strand). Cytogenetic location: 1p36.33.
Variant type: single nucleotide variant.
Coding change: c.1338-4G>A on transcript NM_001170535.3 (MANE Select); 4 bases into the intron before coding-DNA position 1338, G replaced by A.
Molecular consequence: intron variant.
Genome position (GRCh38, 1-based): chr1:1,527,691, G>A. VCF-style: chr1-1527691-G-A. GRCh37 (hg19) VCF-style: chr1-1463071-G-A.
Other names: c.1482-4G>A (NM_018188.5); c.1101-4G>A (NM_001170536.3).
Identifiers: ClinVar variation 4886610 (VCV004886610.2).

ClinVar aggregate classification (germline): Uncertain significance (1 of 4 stars; one submission).

gnomAD v4.1: 16 of 1,606,580 alleles (0.001%); highest among the groups gnomAD compares: Non-Finnish European, 0.0012%; no homozygotes.

Submission:

Dasa
Classification: Uncertain significance. Last evaluated: 2024-11-06. Review status: criteria provided, single submitter. Criteria: DASA Assertion Criteria. Collection method: clinical testing. Allele origin: germline.
Comment: NM_001170535.3(ATAD3A):c.1338-4G>A is a splice-region variant. This variant is rare in population databases. Computational prediction algorithms are consistent with a benign effect. The currently available literature and clinical evidence are not sufficient to establish a definitive association between this variant and the reported condition. Therefore, this variant is classified as a variant of uncertain significance.